The following is an entry in ClinVar:

ClinVar aggregate classification (germline): Uncertain significance (1 of 4 stars; one submission).

Conditions:
Cardiovascular phenotype. Identifiers: MedGen CN230736.

gnomAD v4.1: 1 of 1,445,530 alleles (0.000069%); highest among the groups gnomAD compares: Non-Finnish European, 0.000093%; no homozygotes.

Submission:

Ambry Genetics
Classification: Uncertain significance for Cardiovascular phenotype. Last evaluated: 2026-04-23. Review status: criteria provided, single submitter. Criteria: Ambry Variant Classification Scheme 2023. Collection method: clinical testing. Allele origin: germline.
Comment: The p.T939P variant (also known as c.2815A>C), located in coding exon 24 of the RYR2 gene, results from an A to C substitution at nucleotide position 2815. The threonine at codon 939 is replaced by proline, an amino acid with highly similar properties. This amino acid position is conserved. In addition, this alteration is predicted to be deleterious by in silico analysis. Based on the available evidence, the clinical significance of this variant remains unclear.

NM_001035.3(RYR2):c.2815A>C (p.Thr939Pro)

Gene: RYR2 (ryanodine receptor 2; plus strand). Cytogenetic location: 1q43.
Variant type: single nucleotide variant.
Coding change: c.2815A>C on transcript NM_001035.3 (MANE Select); coding-DNA position 2815, A replaced by C.
Protein change: p.Thr939Pro; replaces threonine 939 with proline.
Molecular consequence: missense variant.
Genome position (GRCh38, 1-based): chr1:237,511,784, A>C. VCF-style: chr1-237511784-A-C. GRCh37 (hg19) VCF-style: chr1-237675084-A-C.
Other names: short protein forms T939P.
Identifiers: ClinVar variation 4863714 (VCV004863714.1).